The following is an entry in ClinVar:

NM_000616.5(CD4):c.*92A>G

Gene: CD4 (CD4 molecule; plus strand). Cytogenetic location: 12p13.31.
Variant type: single nucleotide variant.
Coding change: c.*92A>G on transcript NM_000616.5 (MANE Select); 92 bases downstream of the stop codon, A replaced by G.
Molecular consequence: 3 prime UTR variant.
Genome position (GRCh38, 1-based): chr12:6,819,421, A>G. VCF-style: chr12-6819421-A-G. GRCh37 (hg19) VCF-style: chr12-6928587-A-G.
Other names: c.*92A>G (NM_001195014.3, NM_001195015.3, NM_001195016.3 and 5 more transcripts).
Identifiers: ClinVar variation 1192710 (VCV001192710.5), dbSNP rs7307451, ClinGen allele CA15771909.

ClinVar aggregate classification (germline): Benign. Review status: criteria provided, multiple submitters, no conflicts (2 of 4 stars). 3 submissions from 3 submitters: Benign (3). Last evaluated 2024-01-24.

Conditions:
Immunodeficiency 79. Also called: CD4 deficiency. Identifiers: MedGen C5543220, MONDO:0030981, OMIM 619238.

Allele frequency attached by ClinVar (database versions not stated): gnomAD 0.99999 and 1.00000; 1000 Genomes Project 1.00000; 1000 Genomes Project 30x 1.00000.

Submissions (3):

Unidad de Genómica Garrahan, Hospital de Pediatría Garrahan
Classification: Benign. Last evaluated: 2024-01-24. Review status: criteria provided, single submitter. Criteria: ACMG Guidelines, 2015. Collection method: clinical testing. Allele origin: germline. Affected: no. Observed: 95 variant alleles.
Comment: This variant is classified as Benign based on local population frequency. This variant was detected in 100% of patients studied by a panel of primary immunodeficiencies. Number of patients: 95. Only high quality variants are reported.

Genome-Nilou Lab
Classification: Benign for Immunodeficiency 79. Last evaluated: 2021-07-14. Review status: criteria provided, single submitter. Criteria: ACMG Guidelines, 2015. Collection method: clinical testing. Allele origin: germline. Affected: no.

Breakthrough Genomics
Classification: Benign. Review status: criteria provided, single submitter. Criteria: ACMG Guidelines, 2015. Collection method: not provided. Allele origin: germline. Inheritance: Autosomal recessive inheritance. Affected: yes.